The following is an entry in ClinVar:

ClinVar aggregate classification (germline): Uncertain significance (1 of 4 stars; one submission).

Allele frequency attached by ClinVar (database versions not stated): gnomAD exomes below 0.00001 and 0.00001.
gnomAD v4.1: 2 of 1,612,716 alleles (0.00012%); highest among the groups gnomAD compares: Admixed American, 0.0033%; no homozygotes.

Submission:

Labcorp Genetics (formerly Invitae), Labcorp
Classification: Uncertain significance. Last evaluated: 2021-11-08. Review status: criteria provided, single submitter. Criteria: Invitae Variant Classification Sherloc (09022015). Collection method: clinical testing. Allele origin: germline.
Comment: This sequence change replaces isoleucine, which is neutral and non-polar, with methionine, which is neutral and non-polar, at codon 407 of the MYO3A protein (p.Ile407Met). This variant is present in population databases (no rsID available, gnomAD 0.006%). This variant has not been reported in the literature in individuals affected with MYO3A-related conditions. Algorithms developed to predict the effect of missense changes on protein structure and function are either unavailable or do not agree on the potential impact of this missense change (SIFT: "Deleterious"; PolyPhen-2: "Probably Damaging"; Align-GVGD: "Class C0"). In summary, the available evidence is currently insufficient to determine the role of this variant in disease. Therefore, it has been classified as a Variant of Uncertain Significance.

NM_017433.5(MYO3A):c.1221T>G (p.Ile407Met)

Gene: MYO3A (myosin IIIA; plus strand). Cytogenetic location: 10p12.1.
Variant type: single nucleotide variant.
Coding change: c.1221T>G on transcript NM_017433.5 (MANE Select); coding-DNA position 1221, T replaced by G.
Protein change: p.Ile407Met; replaces isoleucine 407 with methionine.
Molecular consequence: missense variant.
Genome position (GRCh38, 1-based): chr10:26,070,161, T>G. VCF-style: chr10-26070161-T-G. GRCh37 (hg19) VCF-style: chr10-26359090-T-G.
Other names: short protein forms I407M.
Identifiers: ClinVar variation 1492071 (VCV001492071.6), dbSNP rs1395777258, ClinGen allele CA376334093.
Genomic context (GRCh38, chr10:26,070,161, plus strand): 5'-TAACCTTTAGCATTCCAAACTATATATTGGATCAAAGAGAACTGCCAGTCCTCCTCACAT[T>G]TTTGCAATGGCTGACTTAGGATATCAATCTATGATAACATATAATTCAGATCAGGTAAGA-3'
Protein context (NP_059129.3, residues 397-417): GSKRTASPPH[Ile407Met]FAMADLGYQS